The following is an entry in ClinVar:

NM_001004137.1(OR52M1):c.291C>T (p.Asp97=)

Gene: OR52M1 (olfactory receptor family 52 subfamily M member 1; plus strand). Cytogenetic location: 11p15.4.
Variant type: single nucleotide variant.
Coding change: c.291C>T on transcript NM_001004137.1 (MANE Select); coding-DNA position 291, C replaced by T.
Protein change: p.Asp97=; no amino-acid change (aspartic acid 97 retained).
Molecular consequence: synonymous variant.
Genome position (GRCh38, 1-based): chr11:4,545,481, C>T. VCF-style: chr11-4545481-C-T. GRCh37 (hg19) VCF-style: chr11-4566711-C-T.
Identifiers: ClinVar variation 3060906 (VCV003060906.2), dbSNP rs2709182, ClinGen allele CA5832630.
Genomic context (GRCh38, chr11:4,545,481, plus strand): 5'-TTCCACTATACCCAAACTTCTGGGAATCTTCTGGTTCGGTGCTTGTGACATTGGCCTGGA[C>T]GCCTGCTTGGGCCAAATGTTCCTTATCCACTGCTTTGCCACTGTTGAGTCAGGCATCTTC-3'
Protein context (NP_001004137.1, residues 87-107): FWFGACDIGL[Asp97=]ACLGQMFLIH

ClinVar aggregate classification (germline): Benign (0 of 4 stars; one submission).

Conditions:
OR52M1-related disorder. Also called: OR52M1-related condition.

Allele frequency attached by ClinVar (database versions not stated): 1000 Genomes Project 0.43730; 1000 Genomes Project 30x 0.43832; TOPMed 0.47845; ESP Exome Variant Server 0.51369.

Submission:

PreventionGenetics, part of Exact Sciences
Classification: Benign for OR52M1-related condition. Last evaluated: 2023-07-11. Review status: no assertion criteria provided. Collection method: clinical testing. Allele origin: germline.
Comment: This variant is classified as benign based on ACMG/AMP sequence variant interpretation guidelines (Richards et al. 2015 PMID: 25741868, with internal and published modifications).